The following is an entry in ClinVar:

ClinVar aggregate classification (germline): Likely benign. Review status: criteria provided, multiple submitters, no conflicts (2 of 4 stars). 4 submissions from 4 submitters: Likely benign (4). Last evaluated 2024-06-12.

Conditions:
Hereditary cancer-predisposing syndrome. Also called: Hereditary Cancer Syndrome; Neoplastic Syndromes, Hereditary; Tumor predisposition; Hereditary neoplastic syndrome. Identifiers: Orphanet 140162, MedGen C0027672, MeSH D009386, MONDO:0015356.
Familial cancer of breast. Also called: BREAST CANCER, FAMILIAL; Hereditary breast cancer; hereditary breast carcinoma. Identifiers: Orphanet 227535, MedGen C0346153, MONDO:0016419, OMIM 114480. Disease mechanism: loss of function.
Ataxia-telangiectasia syndrome (AT). Also called: Cerebello-oculocutaneous telangiectasia; Immunodeficiency with ataxia telangiectasia; Ataxia-telangiectasia, complementation group E; Ataxia-telangiectasia, complementation group D; AT, COMPLEMENTATION GROUP C; ATAXIA-TELANGIECTASIA, COMPLEMENTATION GROUP A. Identifiers: Orphanet 100, MedGen C0004135, MONDO:0008840, OMIM 208900.

Allele frequency attached by ClinVar (database versions not stated): TOPMed below 0.00001.
gnomAD v4.1: 1 of 1,612,052 alleles (0.000062%); highest among the groups gnomAD compares: Non-Finnish European, 0.000085%; no homozygotes.

Submissions (4):

Myriad Genetics, Inc.
Classification: Likely benign for Familial cancer of breast. Last evaluated: 2024-06-12. Review status: criteria provided, single submitter. Criteria: Myriad Autosomal Dominant, Autosomal Recessive and X-Linked Classification Criteria (2023). Collection method: clinical testing. Allele origin: unknown.
Comment: This variant is considered likely benign. This variant is intronic and is not expected to impact mRNA splicing.

Labcorp Genetics (formerly Invitae), Labcorp
Classification: Likely benign for Ataxia-telangiectasia syndrome. Last evaluated: 2024-04-24. Review status: criteria provided, single submitter. Criteria: Invitae Variant Classification Sherloc (09022015). Collection method: clinical testing. Allele origin: germline.

Ambry Genetics
Classification: Likely benign for Hereditary cancer-predisposing syndrome. Last evaluated: 2023-04-27. Review status: criteria provided, single submitter. Criteria: Ambry Variant Classification Scheme 2023. Collection method: clinical testing. Allele origin: germline.

GeneDx
Classification: Likely benign. Last evaluated: 2017-05-09. Review status: criteria provided, single submitter. Criteria: GeneDx Variant Classification (06012015). Collection method: clinical testing. Allele origin: germline. Affected: yes.
Comment: This variant is considered likely benign or benign based on one or more of the following criteria: it is a conservative change, it occurs at a poorly conserved position in the protein, it is predicted to be benign by multiple in silico algorithms, and/or has population frequency not consistent with disease.

NM_000051.4(ATM):c.6976-5T>C

Genes: ATM (ATM serine/threonine kinase; plus strand), C11orf65 (chromosome 11 open reading frame 65; minus strand). Cytogenetic location: 11q22.3.
Variant type: single nucleotide variant.
Coding change: c.6976-5T>C on transcript NM_000051.4 (MANE Select); 5 bases into the intron before coding-DNA position 6976, T replaced by C.
Molecular consequence: intron variant.
Genome position (GRCh38, 1-based): chr11:108,327,640, T>C. VCF-style: chr11-108327640-T-C. GRCh37 (hg19) VCF-style: chr11-108198367-T-C.
Other names: c.6976-5T>C (NM_001351834.2); c.641-18569A>G (NM_001330368.2); c.*38+7580A>G (NM_001351110.2).
Identifiers: ClinVar variation 509535 (VCV000509535.16), dbSNP rs1555120913, ClinGen allele CA658797764.